The following is an entry in ClinVar:

ClinVar aggregate classification (germline): Uncertain significance (1 of 4 stars; one submission).

Conditions:
Cohen syndrome (COH1). Also called: PEPPER SYNDROME; Cutis verticis gyrata, retinitis pigmentosa, and sensorineural deafness. Identifiers: Orphanet 193, MedGen C0265223, MONDO:0008999, OMIM 216550.

Allele frequency attached by ClinVar (database versions not stated): gnomAD exomes below 0.00001.
gnomAD v4.1: 1 of 1,614,024 alleles (0.000062%); highest among the groups gnomAD compares: South Asian, 0.0011%; no homozygotes.

Submission:

Labcorp Genetics (formerly Invitae), Labcorp
Classification: Uncertain significance for Cohen syndrome. Last evaluated: 2022-11-22. Review status: criteria provided, single submitter. Criteria: Invitae Variant Classification Sherloc (09022015). Collection method: clinical testing. Allele origin: germline.
Comment: In summary, the available evidence is currently insufficient to determine the role of this variant in disease. Therefore, it has been classified as a Variant of Uncertain Significance. Advanced modeling of protein sequence and biophysical properties (such as structural, functional, and spatial information, amino acid conservation, physicochemical variation, residue mobility, and thermodynamic stability) performed at Invitae indicates that this missense variant is not expected to disrupt VPS13B protein function. ClinVar contains an entry for this variant (Variation ID: 1491704). This variant has not been reported in the literature in individuals affected with VPS13B-related conditions. This variant is not present in population databases (gnomAD no frequency). This sequence change replaces threonine, which is neutral and polar, with alanine, which is neutral and non-polar, at codon 2451 of the VPS13B protein (p.Thr2451Ala).

NM_152564.5(VPS13B):c.7276A>G (p.Thr2426Ala)

Gene: VPS13B (vacuolar protein sorting 13 homolog B; plus strand). Cytogenetic location: 8q22.2.
Variant type: single nucleotide variant.
Coding change: c.7276A>G on transcript NM_152564.5 (MANE Select); coding-DNA position 7276, A replaced by G.
Protein change: p.Thr2426Ala; replaces threonine 2426 with alanine.
Molecular consequence: missense variant.
Genome position (GRCh38, 1-based): chr8:99,776,803, A>G. VCF-style: chr8-99776803-A-G. GRCh37 (hg19) VCF-style: chr8-100789031-A-G.
Other names: c.7351A>G, p.Thr2451Ala (NM_017890.5); short protein forms T2451A, T2426A.
Identifiers: ClinVar variation 1491704 (VCV001491704.6), dbSNP rs2130667997, ClinGen allele CA371875596.